The following is an entry in ClinVar:

NM_000083.3(CLCN1):c.1898C>T (p.Thr633Ile)

Gene: CLCN1 (chloride voltage-gated channel 1; plus strand). Cytogenetic location: 7q34.
Variant type: single nucleotide variant.
Coding change: c.1898C>T on transcript NM_000083.3 (MANE Select); coding-DNA position 1898, C replaced by T.
Protein change: p.Thr633Ile; replaces threonine 633 with isoleucine.
Molecular consequence: missense variant. On other transcripts: non-coding transcript variant (1).
Genome position (GRCh38, 1-based): chr7:143,342,473, C>T. VCF-style: chr7-143342473-C-T. GRCh37 (hg19) VCF-style: chr7-143039566-C-T.
Other names: short protein forms T633I.
Identifiers: ClinVar variation 2164763 (VCV002164763.4), dbSNP rs779397970, ClinGen allele CA4537506.

ClinVar aggregate classification (germline): Uncertain significance (1 of 4 stars; one submission).

Conditions:
Congenital myotonia, autosomal dominant form (THD). Also called: THOMSEN DISEASE; Myotonia congenita autosomal dominant. Identifiers: Orphanet 614, MedGen C2936781, MONDO:0008055, OMIM 160800.
Congenital myotonia, autosomal recessive form. Also called: BECKER DISEASE; myotonia congenita, autosomal recessive; Becker Generalized Myotonia. Identifiers: Orphanet 614, MedGen C0751360, MONDO:0009715, OMIM 255700.

Allele frequency attached by ClinVar (database versions not stated): ExAC 0.00001.

Submission:

Labcorp Genetics (formerly Invitae), Labcorp
Classification: Uncertain significance for Congenital myotonia, autosomal recessive form; Congenital myotonia, autosomal dominant form. Last evaluated: 2022-09-02. Review status: criteria provided, single submitter. Criteria: Invitae Variant Classification Sherloc (09022015). Collection method: clinical testing. Allele origin: germline.
Comment: This sequence change replaces threonine, which is neutral and polar, with isoleucine, which is neutral and non-polar, at codon 633 of the CLCN1 protein (p.Thr633Ile). In summary, the available evidence is currently insufficient to determine the role of this variant in disease. Therefore, it has been classified as a Variant of Uncertain Significance. Algorithms developed to predict the effect of missense changes on protein structure and function are either unavailable or do not agree on the potential impact of this missense change (SIFT: "Deleterious"; PolyPhen-2: "Probably Damaging"; Align-GVGD: "Class C15"). This variant has not been reported in the literature in individuals affected with CLCN1-related conditions. This variant is not present in population databases (gnomAD no frequency).